The following is an entry in ClinVar:

ClinVar aggregate classification (germline): Uncertain significance (1 of 4 stars; one submission).

Conditions:
Inborn genetic diseases. Identifiers: MedGen C0950123, MeSH D030342.

Allele frequency attached by ClinVar (database versions not stated): gnomAD exomes below 0.00001; TOPMed below 0.00001; ExAC 0.00001.
gnomAD v4.1: 2 of 1,609,936 alleles (0.00012%); highest among the groups gnomAD compares: East Asian, 0.0022%; no homozygotes.

Submission:

Ambry Genetics
Classification: Uncertain significance for Inborn genetic diseases. Last evaluated: 2023-12-18. Review status: criteria provided, single submitter. Criteria: Ambry Variant Classification Scheme 2023. Collection method: clinical testing. Allele origin: germline.
Comment: The c.10281+6G>A intronic alteration consists of a G to A substitution nucleotides after coding exon 74 in the LAMA5 gene. Based on insufficient or conflicting evidence, the clinical significance of this alteration remains unclear.

NM_005560.6(LAMA5):c.10281+6G>A

Gene: LAMA5 (laminin subunit alpha 5; minus strand). Cytogenetic location: 20q13.33.
Variant type: single nucleotide variant.
Coding change: c.10281+6G>A on transcript NM_005560.6 (MANE Select); 6 bases into the intron after coding-DNA position 10281, G replaced by A.
Molecular consequence: intron variant.
Genome position (GRCh38, 1-based): chr20:62,310,896, C>T on the plus strand (G>A on the coding strand, the complement: LAMA5 is on the minus strand). VCF-style: chr20-62310896-C-T. GRCh37 (hg19) VCF-style: chr20-60885952-C-T.
Identifiers: ClinVar variation 3117490 (VCV003117490.1), dbSNP rs776674699, ClinGen allele CA9939851.
Genomic context (GRCh38, chr20:62,310,896, plus strand): 5'-GCAGGAGATGGGTCAGGGTAGGGCTGCCAGGCCCTGCCCACCACCTTCCTTCTTCTCGGC[C>T]CTCACCTTGTGCCAGCGGCCAGGCCGGGAGCGCTGGCGGCTCTGGGCGCGGAGCCGAGTC-3'